The following is an entry in ClinVar:

ClinVar aggregate classification (germline): Likely pathogenic (1 of 4 stars; one submission).

Conditions:
MIRAGE syndrome. Also called: MYELODYSPLASIA, INFECTION, RESTRICTION OF GROWTH, ADRENAL HYPOPLASIA, GENITAL PHENOTYPES, AND ENTEROPATHY. Identifiers: Orphanet 494433, MedGen C4284088, MONDO:0014888, OMIM 617053.

Submission:

Baylor Genetics
Classification: Likely pathogenic for MIRAGE syndrome. Last evaluated: 2019-12-27. Review status: criteria provided, single submitter. Criteria: ACMG Guidelines, 2015. Collection method: clinical testing. Allele origin: de novo. Affected: yes.
Comment: This variant was determined to be likely pathogenic according to ACMG Guidelines, 2015 [PMID:25741868].

NM_017654.4(SAMD9):c.2795C>T (p.Thr932Ile)

Gene: SAMD9 (sterile alpha motif domain containing 9; minus strand). Cytogenetic location: 7q21.2.
Variant type: single nucleotide variant.
Coding change: c.2795C>T on transcript NM_017654.4 (MANE Select); coding-DNA position 2795, C replaced by T.
Protein change: p.Thr932Ile; replaces threonine 932 with isoleucine.
Molecular consequence: missense variant.
Genome position (GRCh38, 1-based): chr7:93,103,303, G>A on the plus strand (C>T on the coding strand, the complement: SAMD9 is on the minus strand). VCF-style: chr7-93103303-G-A. GRCh37 (hg19) VCF-style: chr7-92732616-G-A.
Other names: c.2795C>T, p.Thr932Ile (NM_001193307.2); short protein forms T932I.
Identifiers: ClinVar variation 1029633 (VCV001029633.1), dbSNP rs1791570014, ClinGen allele CA368189529.